The following is an entry in ClinVar:

NM_007294.4(BRCA1):c.671-6T>A

Gene: BRCA1 (BRCA1 DNA repair associated; minus strand). Cytogenetic location: 17q21.31.
Variant type: single nucleotide variant.
Coding change: c.671-6T>A on transcript NM_007294.4 (MANE Select); 6 bases into the intron before coding-DNA position 671, T replaced by A.
Molecular consequence: intron variant.
Genome position (GRCh38, 1-based): chr17:43,094,866, A>T on the plus strand (T>A on the coding strand, the complement: BRCA1 is on the minus strand). VCF-style: chr17-43094866-A-T. GRCh37 (hg19) VCF-style: chr17-41246883-A-T.
Other names: c.530-6T>A (NM_001408458.1, NM_001408469.1, NM_001408453.1 and 43 more transcripts); c.-218-6T>A (NM_001407967.1, NM_001407966.1); c.290-6T>A (NM_001407959.1, NM_001408510.1, NM_001407963.1 and 1 more transcripts); c.404-6T>A (NM_001407931.1, NM_001407932.1, NM_001408503.1 and 5 more transcripts); c.527-6T>A (NM_001407747.1, NM_001408470.1, NM_001407848.1 and 26 more transcripts); c.287-6T>A (NM_001407962.1); c.167-6T>A (NM_001408512.1, NM_001407965.1); c.461-6T>A (NM_001407885.1, NM_001407886.1, NM_001407881.1 and 25 more transcripts); and 20 more.
Identifiers: ClinVar variation 2585843 (VCV002585843.3), dbSNP rs878854964, ClinGen allele CA2582342176.
Genomic context (GRCh38, chr17:43,094,866, plus strand): 5'-CTGGGTTGATGATGTTCAGTATTTGTTACATCCGTCTCAGAAAATTCACAAGCAGCTGAA[A>T]ATATACAAAAATAACAAGGTACTCAAAAACTGAATTGTCATTAAAAAAATACATACTTCA-3'

ClinVar aggregate classification (germline): Uncertain significance (1 of 4 stars; one submission).

Conditions:
Hereditary cancer-predisposing syndrome. Also called: Hereditary neoplastic syndrome; Tumor predisposition; Hereditary Cancer Syndrome; Neoplastic Syndromes, Hereditary. Identifiers: Orphanet 140162, MedGen C0027672, MeSH D009386, MONDO:0015356.

Submission:

Ambry Genetics
Classification: Uncertain significance for Hereditary cancer-predisposing syndrome. Last evaluated: 2025-03-27. Review status: criteria provided, single submitter. Criteria: Ambry Variant Classification Scheme 2023. Collection method: clinical testing. Allele origin: germline.
Comment: The c.671-6T>A intronic variant results from a T to A substitution 6 nucleotides upstream from coding exon 9 in the BRCA1 gene. This nucleotide position is well conserved in available vertebrate species. In silico splice site analysis for this alteration is inconclusive; and direct evidence is insufficient at this time (Ambry internal data). Since supporting evidence is limited at this time, the clinical significance of this alteration remains unclear.